The following is an entry in ClinVar:

ClinVar aggregate classification (germline): Benign. Review status: criteria provided, single submitter (1 of 4 stars). 2 submissions from 2 submitters: Benign (1). 1 of the submissions does not count toward it. Last evaluated 2025-05-04.

Conditions:
Kabuki syndrome. Also called: Kabuki make-up syndrome; NIIKAWA-KUROKI SYNDROME. Identifiers: Orphanet 2322, MedGen C0796004, MONDO:0016512.
KMT2D-related disorder. Also called: KMT2D-Related Disorders.

Allele frequency attached by ClinVar (database versions not stated): ExAC 0.00001; gnomAD 0.00002; TOPMed 0.00002.
gnomAD v4.1: 9 of 1,613,512 alleles (0.00056%); highest among the groups gnomAD compares: Admixed American, 0.0083%; no homozygotes.

Submissions (2):

Labcorp Genetics (formerly Invitae), Labcorp
Classification: Benign for Kabuki syndrome. Last evaluated: 2025-05-04. Review status: criteria provided, single submitter. Criteria: Invitae Variant Classification Sherloc (09022015). Collection method: clinical testing. Allele origin: germline.

PreventionGenetics, part of Exact Sciences
Classification: Likely benign for KMT2D-related condition. Last evaluated: 2020-09-02. Review status: no assertion criteria provided. Collection method: clinical testing. Allele origin: germline. Not counted in ClinVar's aggregate classification.
Comment: This variant is classified as likely benign based on ACMG/AMP sequence variant interpretation guidelines (Richards et al. 2015 PMID: 25741868, with internal and published modifications).

NM_003482.4(KMT2D):c.6066C>T (p.Leu2022=)

Gene: KMT2D (lysine methyltransferase 2D; minus strand). Cytogenetic location: 12q13.12.
Variant type: single nucleotide variant.
Coding change: c.6066C>T on transcript NM_003482.4 (MANE Select); coding-DNA position 6066, C replaced by T.
Protein change: p.Leu2022=; no amino-acid change (leucine 2022 retained).
Molecular consequence: synonymous variant.
Genome position (GRCh38, 1-based): chr12:49,042,132, G>A on the plus strand (C>T on the coding strand, the complement: KMT2D is on the minus strand). VCF-style: chr12-49042132-G-A. GRCh37 (hg19) VCF-style: chr12-49435915-G-A.
Identifiers: ClinVar variation 2145067 (VCV002145067.6), dbSNP rs776554261, ClinGen allele CA6547381.